The following is an entry in ClinVar:

NM_000512.5(GALNS):c.1355dup (p.Leu454fs)

Gene: GALNS (galactosamine (N-acetyl)-6-sulfatase; minus strand). Cytogenetic location: 16q24.3.
Variant type: Duplication.
Coding change: c.1355dup on transcript NM_000512.5 (MANE Select); coding-DNA position 1355, one base duplicated (T; older notation c.1355dupT).
Protein change: p.Leu454fs; shifts the reading frame from leucine 454.
Molecular consequence: frameshift variant.
Genome position (GRCh38, 1-based): chr16:88,822,598, A duplicated on the plus strand (T on the coding strand, the reverse complement: GALNS is on the minus strand); the first of 2 consecutive A bases (chr16:88,822,598-88,822,599); duplicating either gives the same sequence. VCF-style (leftmost placement, unchanged base first): chr16-88822597-G-GA. GRCh37 (hg19) VCF-style: chr16-88889005-G-GA.
Other names: c.800dup, p.Leu269fs (NM_001323543.2); c.1373dup, p.Leu460fs (NM_001323544.2); short protein forms L269fs, L454fs, L460fs.
Identifiers: ClinVar variation 1048507 (VCV001048507.3), dbSNP rs1472489567, ClinGen allele CA2499223746.

ClinVar aggregate classification (germline): Likely pathogenic (1 of 4 stars; one submission).

Conditions:
Mucopolysaccharidosis, MPS-IV-A (MPS4A). Also called: Mucopolysaccharidosis type IV A; Mucopolysaccharidosis Type IVA; Morquio syndrome A, mild; MORQUIO SYNDROME A; MPS IVA; mucopolysaccharidosis type 4A. Identifiers: Orphanet 309297, Orphanet 582, MedGen C0086651, MONDO:0009659, OMIM 253000.

Submission:

Laboratory of Diagnosis and Therapy of Lysosomal Disorders, University of Padova
Classification: Likely pathogenic for Mucopolysaccharidosis, MPS-IV-A. Last evaluated: 2021-02-01. Review status: criteria provided, single submitter. Criteria: ACMG Guidelines, 2015. Collection method: curation. Allele origin: germline. Affected: yes.
Comment: Frameshift variant (PVS1_strong); absent from gnomAD v2.1.1 (PM2_moderate)

Literature cited by the submitters: PubMed 15309681; PubMed 16287098; PubMed 34387910.